The following is an entry in ClinVar:

ClinVar aggregate classification (germline): Uncertain significance (1 of 4 stars; one submission).

Conditions:
Inborn genetic diseases. Identifiers: MedGen C0950123, MeSH D030342.

Submission:

Ambry Genetics
Classification: Uncertain significance for Inborn genetic diseases. Last evaluated: 2025-11-30. Review status: criteria provided, single submitter. Criteria: Ambry Variant Classification Scheme 2023. Collection method: clinical testing. Allele origin: germline.
Comment: The p.L699V variant (also known as c.2095C>G), located in coding exon 12 of the BMPR2 gene, results from a C to G substitution at nucleotide position 2095. The leucine at codon 699 is replaced by valine, an amino acid with highly similar properties. This amino acid position is conserved. In addition, the in silico prediction for this alteration is inconclusive. Based on the available evidence, the clinical significance of this variant remains unclear.

NM_001204.7(BMPR2):c.2095C>G (p.Leu699Val)

Gene: BMPR2 (bone morphogenetic protein receptor type 2; plus strand). Cytogenetic location: 2q33.2.
Variant type: single nucleotide variant.
Coding change: c.2095C>G on transcript NM_001204.7 (MANE Select); coding-DNA position 2095, C replaced by G.
Protein change: p.Leu699Val; replaces leucine 699 with valine.
Molecular consequence: missense variant.
Genome position (GRCh38, 1-based): chr2:202,555,760, C>G. VCF-style: chr2-202555760-C-G. GRCh37 (hg19) VCF-style: chr2-203420483-C-G.
Other names: short protein forms L699V.
Identifiers: ClinVar variation 4598007 (VCV004598007.1).